The following continues an entry in ClinVar:

NM_000466.3(PEX1):c.2584-20T>A

Gene: PEX1. ClinVar aggregate classification (germline): Benign/Likely benign. Benign (5); Likely benign (2).

Submissions 29 to 39 of 39:

Dr. Peter K. Rogan Lab, Western University
No classification provided (evidence only). Condition: Nonpapillary renal cell carcinoma. Review status: no classification provided. Collection method: in vitro. Allele origin: not applicable. Functional consequence: retained intron. Not counted in ClinVar's aggregate classification.

Dr. Peter K. Rogan Lab, Western University
No classification provided (evidence only). Condition: Nonpapillary renal cell carcinoma. Review status: no classification provided. Collection method: in vitro. Allele origin: not applicable. Functional consequence: retained intron. Not counted in ClinVar's aggregate classification.

Dr. Peter K. Rogan Lab, Western University
No classification provided (evidence only). Condition: Nonpapillary renal cell carcinoma. Review status: no classification provided. Collection method: in vitro. Allele origin: not applicable. Functional consequence: retained intron. Not counted in ClinVar's aggregate classification.

Dr. Peter K. Rogan Lab, Western University
No classification provided (evidence only). Condition: Familial pancreatic carcinoma. Review status: no classification provided. Collection method: in vitro. Allele origin: not applicable. Functional consequence: retained intron. Not counted in ClinVar's aggregate classification.

Dr. Peter K. Rogan Lab, Western University
No classification provided (evidence only). Condition: Familial pancreatic carcinoma. Review status: no classification provided. Collection method: in vitro. Allele origin: not applicable. Functional consequence: retained intron. Not counted in ClinVar's aggregate classification.

Dr. Peter K. Rogan Lab, Western University
No classification provided (evidence only). Condition: Hepatocellular carcinoma. Review status: no classification provided. Collection method: in vitro. Allele origin: not applicable. Functional consequence: retained intron. Not counted in ClinVar's aggregate classification.

Dr. Peter K. Rogan Lab, Western University
No classification provided (evidence only). Condition: Hepatocellular carcinoma. Review status: no classification provided. Collection method: in vitro. Allele origin: not applicable. Functional consequence: retained intron. Not counted in ClinVar's aggregate classification.

Dr. Peter K. Rogan Lab, Western University
No classification provided (evidence only). Condition: Hepatocellular carcinoma. Review status: no classification provided. Collection method: in vitro. Allele origin: not applicable. Functional consequence: retained intron. Not counted in ClinVar's aggregate classification.

Dr. Peter K. Rogan Lab, Western University
No classification provided (evidence only). Condition: Ovarian cancer. Review status: no classification provided. Collection method: in vitro. Allele origin: not applicable. Functional consequence: retained intron. Not counted in ClinVar's aggregate classification.

Dr. Peter K. Rogan Lab, Western University
No classification provided (evidence only). Condition: Ovarian cancer. Review status: no classification provided. Collection method: in vitro. Allele origin: not applicable. Functional consequence: retained intron. Not counted in ClinVar's aggregate classification.

Dr. Peter K. Rogan Lab, Western University
No classification provided (evidence only). Condition: Ovarian cancer. Review status: no classification provided. Collection method: in vitro. Allele origin: not applicable. Functional consequence: retained intron. Not counted in ClinVar's aggregate classification.